The following is an entry in ClinVar:

GRCh37/hg19 16p11.2(chr16:29432213-30226930)x1

Genes: ALDOA (aldolase, fructose-bisphosphate A; plus strand), ASPHD1 (aspartate beta-hydroxylase domain containing 1; plus strand), BOLA2 (bolA family member 2; minus strand), BOLA2B (bolA family member 2B; minus strand), C16orf54 (chromosome 16 open reading frame 54; minus strand) and 28 more. Cytogenetic location: 16p11.2.
Variant type: copy number loss.
Change: copy number 1 (one copy instead of two) of chr16:29,432,213-30,226,930 (794.7 kb, GRCh37 coordinates, 1-based), cytogenetic band 16p11.2.
Identifiers: ClinVar variation 2685571 (VCV002685571.1).

ClinVar aggregate classification (germline): Pathogenic (1 of 4 stars; one submission).

Submission:

Quest Diagnostics Nichols Institute San Juan Capistrano
Classification: Pathogenic. Last evaluated: 2023-04-18. Review status: criteria provided, single submitter. Criteria: ACMG/ClinGen CNV Guidelines, 2019. Collection method: clinical testing. Allele origin: unknown.
Comment: This copy number loss involves several genes including TBX6 (OMIM 602427) and is associated with the proximal (BP4-BP5) 16p11.2 microdeletion syndrome (OMIM 611913, Rehm et al., N Engl J Med. 2015 Jun 4;372(23):2235-42. PMID: 26014595 (ISCA-37400)). Inheritance from a normal or mildly affected parent has been reported, suggesting incomplete penetrance and variable expressivity. See GeneReviews for additional information and references.